The following is an entry in ClinVar:

NM_032043.3(BRIP1):c.1129A>G (p.Ile377Val)

Gene: BRIP1 (BRCA1 interacting DNA helicase 1; minus strand). Cytogenetic location: 17q23.2.
Variant type: single nucleotide variant.
Coding change: c.1129A>G on transcript NM_032043.3 (MANE Select); coding-DNA position 1129, A replaced by G.
Protein change: p.Ile377Val; replaces isoleucine 377 with valine.
Molecular consequence: missense variant.
Genome position (GRCh38, 1-based): chr17:61,801,264, T>C on the plus strand (A>G on the coding strand, the complement: BRIP1 is on the minus strand). VCF-style: chr17-61801264-T-C. GRCh37 (hg19) VCF-style: chr17-59878625-T-C.
Other names: short protein forms I377V.
Identifiers: ClinVar variation 232308 (VCV000232308.18), dbSNP rs876659688, ClinGen allele CA10580844.

ClinVar aggregate classification (germline): Uncertain significance. Review status: criteria provided, multiple submitters, no conflicts (2 of 4 stars). 2 submissions from 2 submitters: Uncertain significance (2). Last evaluated 2024-11-12.

Conditions:
Hereditary cancer-predisposing syndrome. Also called: Hereditary Cancer Syndrome; Neoplastic Syndromes, Hereditary; Tumor predisposition; Hereditary neoplastic syndrome. Identifiers: Orphanet 140162, MedGen C0027672, MeSH D009386, MONDO:0015356.
Fanconi anemia complementation group J. Also called: BRIP1-Related Fanconi Anemia. Identifiers: Orphanet 84, MedGen C1836860, MONDO:0012187, OMIM 609054.
Familial cancer of breast. Also called: Hereditary breast cancer; hereditary breast carcinoma; BREAST CANCER, FAMILIAL. Identifiers: Orphanet 227535, MedGen C0346153, MONDO:0016419, OMIM 114480. Disease mechanism: loss of function.

gnomAD v4.1: 1 of 1,611,942 alleles (0.000062%); highest among the groups gnomAD compares: Non-Finnish European, 0.000085%; no homozygotes.

Submissions (2):

Ambry Genetics
Classification: Uncertain significance for Hereditary cancer-predisposing syndrome. Last evaluated: 2024-11-12. Review status: criteria provided, single submitter. Criteria: Ambry Variant Classification Scheme 2023. Collection method: clinical testing. Allele origin: germline.
Comment: The p.I377V variant (also known as c.1129A>G), located in coding exon 7 of the BRIP1 gene, results from an A to G substitution at nucleotide position 1129. The isoleucine at codon 377 is replaced by valine, an amino acid with highly similar properties. This amino acid position is highly conserved in available vertebrate species. In addition, this alteration is predicted to be tolerated by in silico analysis. Based on the available evidence, the clinical significance of this variant remains unclear.

Labcorp Genetics (formerly Invitae), Labcorp
Classification: Uncertain significance for Familial cancer of breast; Fanconi anemia complementation group J. Last evaluated: 2024-01-18. Review status: criteria provided, single submitter. Criteria: Invitae Variant Classification Sherloc (09022015). Collection method: clinical testing. Allele origin: germline.
Comment: This sequence change replaces isoleucine, which is neutral and non-polar, with valine, which is neutral and non-polar, at codon 377 of the BRIP1 protein (p.Ile377Val). This variant is not present in population databases (gnomAD no frequency). This variant has not been reported in the literature in individuals affected with BRIP1-related conditions. ClinVar contains an entry for this variant (Variation ID: 232308). Advanced modeling of protein sequence and biophysical properties (such as structural, functional, and spatial information, amino acid conservation, physicochemical variation, residue mobility, and thermodynamic stability) has been performed at Invitae for this missense variant, however the output from this modeling did not meet the statistical confidence thresholds required to predict the impact of this variant on BRIP1 protein function. Algorithms developed to predict the effect of sequence changes on RNA splicing suggest that this variant may create or strengthen a splice site. In summary, the available evidence is currently insufficient to determine the role of this variant in disease. Therefore, it has been classified as a Variant of Uncertain Significance.